The following is an entry in ClinVar:

NM_007294.4(BRCA1):c.2366G>A (p.Ser789Asn)

Gene: BRCA1 (BRCA1 DNA repair associated; minus strand). Cytogenetic location: 17q21.31.
Variant type: single nucleotide variant.
Coding change: c.2366G>A on transcript NM_007294.4 (MANE Select); coding-DNA position 2366, G replaced by A.
Protein change: p.Ser789Asn; replaces serine 789 with asparagine.
Molecular consequence: missense variant. On other transcripts: intron variant (137).
Genome position (GRCh38, 1-based): chr17:43,093,165, C>T on the plus strand (G>A on the coding strand, the complement: BRCA1 is on the minus strand). VCF-style: chr17-43093165-C-T. GRCh37 (hg19) VCF-style: chr17-41245182-C-T.
Other names: c.2153G>A, p.Ser718Asn (NM_001407571.1, NM_001407853.1, NM_001407894.1 and 9 more transcripts); c.2366G>A, p.Ser789Asn (NM_001407581.1, NM_001407582.1, NM_001407583.1 and 30 more transcripts); c.2363G>A, p.Ser788Asn (NM_001407587.1, NM_001407590.1, NM_001407591.1 and 22 more transcripts); c.2357G>A, p.Ser786Asn (NM_001407646.1, NM_001407647.1); c.2243G>A, p.Ser748Asn (NM_001407648.1, NM_001407664.1, NM_001407665.1 and 19 more transcripts); c.2240G>A, p.Ser747Asn (NM_001407649.1, NM_001407670.1, NM_001407671.1 and 11 more transcripts); c.2288G>A, p.Ser763Asn (NM_001407653.1, NM_001407654.1, NM_001407655.1 and 4 more transcripts); c.2285G>A, p.Ser762Asn (NM_001407659.1, NM_001407660.1, NM_001407661.1 and 1 more transcripts); and 41 more; short protein forms S789N, S742N, S493N, S661N, S719N, S786N, S621N, S678N.
Identifiers: ClinVar variation 659849 (VCV000659849.14), dbSNP rs1597870436, ClinGen allele CA10597277.

ClinVar aggregate classification (germline): Conflicting classifications of pathogenicity. Review status: criteria provided, conflicting classifications (1 of 4 stars). 2 submissions from 2 submitters: Uncertain significance (1); Likely benign (1). Last evaluated 2025-05-05.

Conditions:
Hereditary cancer-predisposing syndrome. Also called: Hereditary neoplastic syndrome; Neoplastic Syndromes, Hereditary; Hereditary Cancer Syndrome; Tumor predisposition. Identifiers: Orphanet 140162, MedGen C0027672, MeSH D009386, MONDO:0015356.
Hereditary breast ovarian cancer syndrome. Also called: BRCA1- and BRCA2-Associated Hereditary Breast and Ovarian Cancer; Hereditary breast and ovarian cancer syndrome; Hereditary breast and ovarian cancer syndrome (HBOC); Hereditary breast and/or ovarian cancer syndrome; Breast and ovarian cancer; Hereditary breast and ovarian cancer. Identifiers: Orphanet 145, MedGen C0677776, MeSH D061325, MONDO:0003582. Disease mechanism: loss of function.

Submissions (2):

Labcorp Genetics (formerly Invitae), Labcorp
Classification: Uncertain significance for Hereditary breast ovarian cancer syndrome. Last evaluated: 2025-05-05. Review status: criteria provided, single submitter. Criteria: Invitae Variant Classification Sherloc (09022015). Collection method: clinical testing. Allele origin: germline.
Comment: This sequence change replaces serine, which is neutral and polar, with asparagine, which is neutral and polar, at codon 789 of the BRCA1 protein (p.Ser789Asn). This variant is not present in population databases (gnomAD no frequency). This variant has not been reported in the literature in individuals affected with BRCA1-related conditions. ClinVar contains an entry for this variant (Variation ID: 659849). Invitae Evidence Modeling of protein sequence and biophysical properties (such as structural, functional, and spatial information, amino acid conservation, physicochemical variation, residue mobility, and thermodynamic stability) indicates that this missense variant is not expected to disrupt BRCA1 protein function with a negative predictive value of 80%. In summary, the available evidence is currently insufficient to determine the role of this variant in disease. Therefore, it has been classified as a Variant of Uncertain Significance.

University of Washington Department of Laboratory Medicine, University of Washington
Classification: Likely benign for Hereditary cancer-predisposing syndrome. Last evaluated: 2023-03-23. Review status: criteria provided, single submitter. Criteria: Dines et al. (Genet Med. 2020). Collection method: curation. Allele origin: germline.
Comment: Missense variant in a coldspot region where missense variants are very unlikely to be pathogenic (PMID:31911673).

BRCA1 coldspot (exon 11 using historical exon numbering). Reclassification based on statistical prior probability